The following is an entry in ClinVar:

ClinVar aggregate classification (germline): Pathogenic. Review status: criteria provided, single submitter (1 of 4 stars). 2 submissions from 2 submitters: Pathogenic (1). 1 of the submissions does not count toward it. Last evaluated 2025-01-15.

Conditions:
Tuberous sclerosis syndrome (TSC). Also called: Tuberous Sclerosis Complex; Tuberous sclerosis. Identifiers: Orphanet 805, MedGen C0041341, MONDO:0001734.
Tuberous sclerosis 1 (TSC1). Identifiers: Orphanet 805, MedGen C1854465, MONDO:0008612, OMIM 191100.

Submissions (2):

Labcorp Genetics (formerly Invitae), Labcorp
Classification: Pathogenic for Tuberous sclerosis 1. Last evaluated: 2025-01-15. Review status: criteria provided, single submitter. Criteria: Invitae Variant Classification Sherloc (09022015). Collection method: clinical testing. Allele origin: germline.
Comment: This sequence change affects a donor splice site in intron 5 of the TSC1 gene. It is expected to disrupt RNA splicing. Variants that disrupt the donor or acceptor splice site typically lead to a loss of protein function (PMID: 16199547), and loss-of-function variants in TSC1 are known to be pathogenic (PMID: 10227394, 17304050). This variant is not present in population databases (gnomAD no frequency). Disruption of this splice site has been observed in individual(s) with TSC1-related conditions (PMID: 21520333, 32461669). ClinVar contains an entry for this variant (Variation ID: 49029). Algorithms developed to predict the effect of sequence changes on RNA splicing suggest that this variant may disrupt the consensus splice site. For these reasons, this variant has been classified as Pathogenic.

Tuberous sclerosis database (TSC1)
No classification provided. Condition: TSC. Review status: no classification provided. Criteria: Tuberous Sclerosis Database Assertion Criteria 2015. Collection method: curation. Allele origin: germline. Affected: yes. Not counted in ClinVar's aggregate classification.

Literature cited by the submitters: PubMed 16199547 (cited by Labcorp Genetics (formerly Invitae), Labcorp); PubMed 10227394 (cited by Labcorp Genetics (formerly Invitae), Labcorp); PubMed 17304050 (cited by Labcorp Genetics (formerly Invitae), Labcorp); PubMed 21520333 (cited by Labcorp Genetics (formerly Invitae), Labcorp); PubMed 32461669 (cited by Labcorp Genetics (formerly Invitae), Labcorp).

NM_000368.5(TSC1):c.363+1G>A

Gene: TSC1 (TSC complex subunit 1; minus strand). Cytogenetic location: 9q34.13.
Variant type: single nucleotide variant.
Coding change: c.363+1G>A on transcript NM_000368.5 (MANE Select); the canonical splice donor site of the intron after coding-DNA position 363, G replaced by A.
Molecular consequence: splice donor variant. On other transcripts: intron variant (5).
Genome position (GRCh38, 1-based): chr9:132,925,586, C>T on the plus strand (G>A on the coding strand, the complement: TSC1 is on the minus strand). VCF-style: chr9-132925586-C-T. GRCh37 (hg19) VCF-style: chr9-135800973-C-T.
Other names: c.-1+1G>A (NM_001406620.1, NM_001406618.1, NM_001406625.1 and 5 more transcripts); c.210+1615G>A (NM_001406613.1, NM_001406612.1, NM_001406610.1 and 2 more transcripts); c.-515+1G>A (NM_001406627.1, NM_001406628.1, NM_001406626.1); c.-657+1G>A (NM_001406629.1); c.363+1G>A (NM_001406603.1, NM_001406609.1, NM_001406597.1 and 16 more transcripts); c.-93+1G>A (NM_001406614.1, NM_001406624.1, NM_001406616.1); c.-731+1G>A (NM_001406630.1); c.-126+1G>A (NM_001406623.1, NM_001406615.1).
Identifiers: ClinVar variation 49029 (VCV000049029.11), dbSNP rs118203372, ClinGen allele CA007428.